The following is an entry in ClinVar:

ClinVar aggregate classification (germline): Uncertain significance (1 of 4 stars; one submission).

Allele frequency attached by ClinVar (database versions not stated): gnomAD exomes below 0.00001; gnomAD 0.00001; TOPMed 0.00001.
gnomAD v4.1: 7 of 1,614,090 alleles (0.00043%); highest among the groups gnomAD compares: Non-Finnish European, 0.00059%; no homozygotes.

Submission:

Ambry Genetics
Classification: Uncertain significance. Last evaluated: 2024-08-31. Review status: criteria provided, single submitter. Criteria: Ambry Variant Classification Scheme 2023. Collection method: clinical testing. Allele origin: germline.
Comment: The p.S202G variant (also known as c.604A>G), located in coding exon 1 of the PALLD gene, results from an A to G substitution at nucleotide position 604. The serine at codon 202 is replaced by glycine, an amino acid with similar properties. This amino acid position is conserved. In addition, the in silico prediction for this alteration is inconclusive. Since supporting evidence is limited at this time, the clinical significance of this alteration remains unclear.

NM_001166108.2(PALLD):c.604A>G (p.Ser202Gly)

Gene: PALLD (palladin, cytoskeletal associated protein; plus strand). Cytogenetic location: 4q32.3.
Variant type: single nucleotide variant.
Coding change: c.604A>G on transcript NM_001166108.2 (MANE Select); coding-DNA position 604, A replaced by G.
Protein change: p.Ser202Gly; replaces serine 202 with glycine.
Molecular consequence: missense variant.
Genome position (GRCh38, 1-based): chr4:168,512,108, A>G. VCF-style: chr4-168512108-A-G. GRCh37 (hg19) VCF-style: chr4-169433259-A-G.
Other names: c.604A>G, p.Ser202Gly (NM_016081.4); short protein forms S202G.
Identifiers: ClinVar variation 1751260 (VCV001751260.3), dbSNP rs1226423126, ClinGen allele CA358726428.